The following is an entry in ClinVar:

ClinVar aggregate classification (germline): Uncertain significance. Review status: criteria provided, multiple submitters, no conflicts (2 of 4 stars). 2 submissions from 2 submitters: Uncertain significance (2). Last evaluated 2024-08-31.

Conditions:
Xanthinuria type II. Also called: Xanthine dehydrogenase and aldehyde oxidase combined deficiency of; XDH and AOX dual deficiency. Identifiers: Orphanet 3467, Orphanet 93602, MedGen C1863688, MONDO:0011346, OMIM 603592.
Hereditary xanthinuria type 1 (XAN1). Identifiers: Orphanet 3467, Orphanet 93601, MedGen C0268118, MONDO:0010209, OMIM 278300.

gnomAD v4.1: 28 of 1,614,036 alleles (0.0017%); highest among the groups gnomAD compares: African/African-American, 0.0093%; 1 homozygote.

Submissions (2):

Labcorp Genetics (formerly Invitae), Labcorp
Classification: Uncertain significance for Xanthinuria type II. Last evaluated: 2024-08-31. Review status: criteria provided, single submitter. Criteria: Invitae Variant Classification Sherloc (09022015). Collection method: clinical testing. Allele origin: germline.
Comment: This sequence change replaces asparagine, which is neutral and polar, with serine, which is neutral and polar, at codon 957 of the XDH protein (p.Asn957Ser). This variant is present in population databases (no rsID available, gnomAD 0.01%). This variant has not been reported in the literature in individuals affected with XDH-related conditions. An algorithm developed to predict the effect of missense changes on protein structure and function (PolyPhen-2) suggests that this variant¬†is likely to be tolerated. In summary, the available evidence is currently insufficient to determine the role of this variant in disease. Therefore, it has been classified as a Variant of Uncertain Significance.

Fulgent Genetics
Classification: Uncertain significance for Hereditary xanthinuria type 1. Last evaluated: 2024-05-10. Review status: criteria provided, single submitter. Criteria: ACMG Guidelines, 2015. Collection method: clinical testing. Allele origin: germline.

NM_000379.4(XDH):c.2870A>G (p.Asn957Ser)

Gene: XDH (xanthine dehydrogenase; minus strand). Cytogenetic location: 2p23.1.
Variant type: single nucleotide variant.
Coding change: c.2870A>G on transcript NM_000379.4 (MANE Select); coding-DNA position 2870, A replaced by G.
Protein change: p.Asn957Ser; replaces asparagine 957 with serine.
Molecular consequence: missense variant.
Genome position (GRCh38, 1-based): chr2:31,349,785, T>C on the plus strand (A>G on the coding strand, the complement: XDH is on the minus strand). VCF-style: chr2-31349785-T-C. GRCh37 (hg19) VCF-style: chr2-31572651-T-C.
Other names: short protein forms N957S.
Identifiers: ClinVar variation 3586450 (VCV003586450.2).